The following is an entry in ClinVar:

NM_004260.4(RECQL4):c.1150C>G (p.Arg384Gly)

Gene: RECQL4 (RecQ like helicase 4; minus strand). Cytogenetic location: 8q24.3.
Variant type: single nucleotide variant.
Coding change: c.1150C>G on transcript NM_004260.4 (MANE Select); coding-DNA position 1150, C replaced by G.
Protein change: p.Arg384Gly; replaces arginine 384 with glycine.
Molecular consequence: missense variant.
Genome position (GRCh38, 1-based): chr8:144,515,872, G>C on the plus strand (C>G on the coding strand, the complement: RECQL4 is on the minus strand). VCF-style: chr8-144515872-G-C. GRCh37 (hg19) VCF-style: chr8-145741256-G-C.
Other names: short protein forms R384G.
Identifiers: ClinVar variation 1029806 (VCV001029806.1), dbSNP rs766026341, ClinGen allele CA372687794.
Genomic context (GRCh38, chr8:144,515,872, plus strand): 5'-AACAAGACTCCTTGGTTGTGACTGTGGCACCACCACCCCCAAAACACTCCCCTTTCTTCC[G>C]CCACTTCTGCTTCCATGCCTGGGGGGTGCCCACATAGGAGGGTCACTGGGCGGGAAATAC-3'
Protein context (NP_004251.4, residues 374-394): LRKQAWKQKW[Arg384Gly]KKGECFGGGG

ClinVar aggregate classification (germline): Uncertain significance (1 of 4 stars; one submission).

Conditions:
Baller-Gerold syndrome (BGS). Also called: CRANIOSYNOSTOSIS WITH RADIAL DEFECTS. Identifiers: Orphanet 1225, MedGen C0265308, MONDO:0009039, OMIM 218600.

Submission:

Baylor Genetics
Classification: Uncertain significance for Baller-Gerold syndrome. Last evaluated: 2020-01-27. Review status: criteria provided, single submitter. Criteria: ACMG Guidelines, 2015. Collection method: clinical testing. Allele origin: unknown. Affected: yes.
Comment: This variant was determined to be of uncertain significance according to ACMG Guidelines, 2015 [PMID:25741868].